The following is an entry in ClinVar:

ClinVar aggregate classification (germline): Uncertain significance (1 of 4 stars; one submission).

Conditions:
Jeune thoracic dystrophy. Also called: Jeune syndrome; Infantile thoracic dystrophy; Thoracic pelvic phalangeal dystrophy; Jeune's syndrome; Chondroectodermal dysplasia-like syndrome; Short-rib thoracic dysplasia. Identifiers: Orphanet 474, MedGen C0265275, MONDO:0018770.

Submission:

Labcorp Genetics (formerly Invitae), Labcorp
Classification: Uncertain significance for Jeune thoracic dystrophy. Last evaluated: 2024-10-25. Review status: criteria provided, single submitter. Criteria: Invitae Variant Classification Sherloc (09022015). Collection method: clinical testing. Allele origin: germline.
Comment: This sequence change replaces leucine, which is neutral and non-polar, with tryptophan, which is neutral and slightly polar, at codon 69 of the IFT80 protein (p.Leu69Trp). This variant is not present in population databases (gnomAD no frequency). This variant has not been reported in the literature in individuals affected with IFT80-related conditions. ClinVar contains an entry for this variant (Variation ID: 1363944). Invitae Evidence Modeling of protein sequence and biophysical properties (such as structural, functional, and spatial information, amino acid conservation, physicochemical variation, residue mobility, and thermodynamic stability) indicates that this missense variant is not expected to disrupt IFT80 protein function with a negative predictive value of 80%. In summary, the available evidence is currently insufficient to determine the role of this variant in disease. Therefore, it has been classified as a Variant of Uncertain Significance.

NM_020800.3(IFT80):c.206T>G (p.Leu69Trp)

Genes: IFT80 (intraflagellar transport 80; minus strand), TRIM59-IFT80 (TRIM59-IFT80 readthrough (NMD candidate); minus strand). Cytogenetic location: 3q25.33.
Variant type: single nucleotide variant.
Coding change: c.206T>G on transcript NM_020800.3 (MANE Select); coding-DNA position 206, T replaced by G.
Protein change: p.Leu69Trp; replaces leucine 69 with tryptophan.
Molecular consequence: missense variant. On other transcripts: non-coding transcript variant (2), 5 prime UTR variant (2).
Genome position (GRCh38, 1-based): chr3:160,381,556, A>C on the plus strand (T>G on the coding strand, the complement: IFT80 is on the minus strand). VCF-style: chr3-160381556-A-C. GRCh37 (hg19) VCF-style: chr3-160099344-A-C.
Other names: c.-206T>G (NM_001190241.2, NM_001190242.2); short protein forms L69W.
Identifiers: ClinVar variation 1363944 (VCV001363944.8), dbSNP rs2108404301, ClinGen allele CA355194830.